The following is an entry in ClinVar:

NM_003476.5(CSRP3):c.113-3C>T

Gene: CSRP3 (cysteine and glycine rich protein 3; minus strand). Cytogenetic location: 11p15.1.
Variant type: single nucleotide variant.
Coding change: c.113-3C>T on transcript NM_003476.5 (MANE Select); 3 bases into the intron before coding-DNA position 113, C replaced by T.
Molecular consequence: intron variant.
Genome position (GRCh38, 1-based): chr11:19,188,307, G>A on the plus strand (C>T on the coding strand, the complement: CSRP3 is on the minus strand). VCF-style: chr11-19188307-G-A. GRCh37 (hg19) VCF-style: chr11-19209854-G-A.
Other names: c.113-1959C>T (NM_001369404.1).
Identifiers: ClinVar variation 636487 (VCV000636487.4), dbSNP rs1310679270, ClinGen allele CA915948098.

ClinVar aggregate classification (germline): Uncertain significance. Review status: criteria provided, multiple submitters, no conflicts (2 of 4 stars). 2 submissions from 2 submitters: Uncertain significance (2). Last evaluated 2024-04-29.

Conditions:
Hypertrophic cardiomyopathy 12. Identifiers: MedGen C2677491, MONDO:0012804, OMIM 612124.
Dilated cardiomyopathy 1M (CMD1M). Identifiers: Orphanet 154, MedGen C1843808, MONDO:0011840, OMIM 607482.

Submissions (2):

Labcorp Genetics (formerly Invitae), Labcorp
Classification: Uncertain significance for Hypertrophic cardiomyopathy 12; Dilated cardiomyopathy 1M. Last evaluated: 2024-04-29. Review status: criteria provided, single submitter. Criteria: Invitae Variant Classification Sherloc (09022015). Collection method: clinical testing. Allele origin: germline.
Comment: This sequence change falls in intron 3 of the CSRP3 gene. It does not directly change the encoded amino acid sequence of the CSRP3 protein. It affects a nucleotide within the consensus splice site. This variant is not present in population databases (gnomAD no frequency). This variant has not been reported in the literature in individuals affected with CSRP3-related conditions. ClinVar contains an entry for this variant (Variation ID: 636487). Variants that disrupt the consensus splice site are a relatively common cause of aberrant splicing (PMID: 17576681, 9536098). Algorithms developed to predict the effect of sequence changes on RNA splicing suggest that this variant is not likely to affect RNA splicing. In summary, the available evidence is currently insufficient to determine the role of this variant in disease. Therefore, it has been classified as a Variant of Uncertain Significance.

Blueprint Genetics
Classification: Uncertain significance. Last evaluated: 2017-09-11. Review status: criteria provided, single submitter. Criteria: ACMG Guidelines, 2015. Collection method: clinical testing. Allele origin: germline.

Literature cited by the submitters: PubMed 17576681 (cited by Labcorp Genetics (formerly Invitae), Labcorp); PubMed 9536098 (cited by Labcorp Genetics (formerly Invitae), Labcorp).